The following is an entry in ClinVar:

ClinVar aggregate classification (germline): Pathogenic (1 of 4 stars; one submission).

Submission:

Labcorp Genetics (formerly Invitae), Labcorp
Classification: Pathogenic. Last evaluated: 2022-09-13. Review status: criteria provided, single submitter. Criteria: Invitae Variant Classification Sherloc (09022015). Collection method: clinical testing. Allele origin: germline.
Comment: For these reasons, this variant has been classified as Pathogenic. A similar copy number variant has been observed in individual(s) with Oguchi disease (PMID: 22419846). In at least one individual the data is consistent with being in trans (on the opposite chromosome) from a pathogenic variant. This variant has been reported in individual(s) with autosomal dominant inherited retinal dystrophy (Invitae); however, the role of the variant in this condition is currently unclear. This variant is a gross deletion of the genomic region encompassing exon(s) 2 of the SAG gene, which includes the initiator codon. This deletion extends beyond the assayed region for this gene and therefore may encompass additional genes. It is expected to result in an absent or disrupted protein product. Loss-of-function variants in SAG are known to be pathogenic (PMID: 9452120, 15234147, 22665972).

Literature cited by the submitters: PubMed 22419846; PubMed 9452120; PubMed 15234147; PubMed 22665972.

NC_000002.11:g.(?_234217836)_(234217930_?)del

Gene: SAG (S-antigen visual arrestin; plus strand). Cytogenetic location: 2q37.1.
Variant type: Deletion.
Identifiers: ClinVar variation 1069163 (VCV001069163.3).